The following is an entry in ClinVar:

ClinVar aggregate classification (germline): Uncertain significance (1 of 4 stars; one submission).

Allele frequency attached by ClinVar (database versions not stated): gnomAD 0.00001; TOPMed 0.00001.

Submission:

Labcorp Genetics (formerly Invitae), Labcorp
Classification: Uncertain significance. Last evaluated: 2021-12-19. Review status: criteria provided, single submitter. Criteria: Invitae Variant Classification Sherloc (09022015). Collection method: clinical testing. Allele origin: germline.
Comment: In summary, the available evidence is currently insufficient to determine the role of this variant in disease. Therefore, it has been classified as a Variant of Uncertain Significance. Advanced modeling of protein sequence and biophysical properties (such as structural, functional, and spatial information, amino acid conservation, physicochemical variation, residue mobility, and thermodynamic stability) performed at Invitae indicates that this missense variant is not expected to disrupt SI protein function. This variant has not been reported in the literature in individuals affected with SI-related conditions. This variant is present in population databases (no rsID available, gnomAD 0.003%). This sequence change replaces aspartic acid, which is acidic and polar, with asparagine, which is neutral and polar, at codon 484 of the SI protein (p.Asp484Asn).

NM_001041.4(SI):c.1450G>A (p.Asp484Asn)

Gene: SI (sucrase-isomaltase; minus strand). Cytogenetic location: 3q26.1.
Variant type: single nucleotide variant.
Coding change: c.1450G>A on transcript NM_001041.4 (MANE Select); coding-DNA position 1450, G replaced by A.
Protein change: p.Asp484Asn; replaces aspartic acid 484 with asparagine.
Molecular consequence: missense variant.
Genome position (GRCh38, 1-based): chr3:165,055,256, C>T on the plus strand (G>A on the coding strand, the complement: SI is on the minus strand). VCF-style: chr3-165055256-C-T. GRCh37 (hg19) VCF-style: chr3-164773044-C-T.
Other names: short protein forms D484N.
Identifiers: ClinVar variation 1924570 (VCV001924570.4), dbSNP rs958510314, ClinGen allele CA86491715.